The following is an entry in ClinVar:

NM_000213.5(ITGB4):c.2879del (p.Leu960fs)

Gene: ITGB4 (integrin subunit beta 4; plus strand). Cytogenetic location: 17q25.1.
Variant type: Deletion.
Coding change: c.2879del on transcript NM_000213.5 (MANE Select); coding-DNA position 2879, one base deleted (T; older notation c.2879delT).
Protein change: p.Leu960fs; shifts the reading frame from leucine 960.
Molecular consequence: frameshift variant.
Genome position (GRCh38, 1-based): chr17:75,742,678, T deleted. VCF-style (leftmost placement, unchanged base first): chr17-75742677-CT-C. GRCh37 (hg19) VCF-style: chr17-73738758-CT-C.
Other names: c.2879delT, p.Leu960Argfs (NM_001005619.2); c.2879del, p.Leu960fs (NM_001005731.3, NM_001321123.2); short protein forms L960fs.
Identifiers: ClinVar variation 2746101 (VCV002746101.3), dbSNP rs2545802550, ClinGen allele CA2697555161.

ClinVar aggregate classification (germline): Pathogenic (1 of 4 stars; one submission).

Submission:

Labcorp Genetics (formerly Invitae), Labcorp
Classification: Pathogenic. Last evaluated: 2023-05-28. Review status: criteria provided, single submitter. Criteria: Invitae Variant Classification Sherloc (09022015). Collection method: clinical testing. Allele origin: germline.
Comment: This sequence change creates a premature translational stop signal (p.Leu960Argfs*20) in the ITGB4 gene. It is expected to result in an absent or disrupted protein product. Loss-of-function variants in ITGB4 are known to be pathogenic (PMID: 11328943, 16473856). This variant is not present in population databases (gnomAD no frequency). This variant has not been reported in the literature in individuals affected with ITGB4-related conditions. For these reasons, this variant has been classified as Pathogenic.

Literature cited by the submitters: PubMed 11328943; PubMed 16473856.